The following is an entry in ClinVar:

NM_002485.5(NBN):c.775G>A (p.Glu259Lys)

Gene: NBN (nibrin; minus strand). Cytogenetic location: 8q21.3.
Variant type: single nucleotide variant.
Coding change: c.775G>A on transcript NM_002485.5 (MANE Select); coding-DNA position 775, G replaced by A.
Protein change: p.Glu259Lys; replaces glutamic acid 259 with lysine.
Molecular consequence: missense variant.
Genome position (GRCh38, 1-based): chr8:89,970,485, C>T on the plus strand (G>A on the coding strand, the complement: NBN is on the minus strand). VCF-style: chr8-89970485-C-T. GRCh37 (hg19) VCF-style: chr8-90982713-C-T.
Other names: p.E259K:GAA>AAA; c.529G>A, p.Glu177Lys (NM_001024688.3); short protein forms E259K, E177K.
Identifiers: ClinVar variation 182716 (VCV000182716.36), dbSNP rs201559159, ClinGen allele CA299602.

ClinVar aggregate classification (germline): Uncertain significance. Review status: criteria provided, multiple submitters, no conflicts (2 of 4 stars). 11 submissions from 11 submitters: Uncertain significance (9). 2 of the submissions do not count toward it. Last evaluated 2025-03-05.

Conditions:
NBN-related disorder. Also called: NBN-related condition.
Microcephaly, normal intelligence and immunodeficiency (NBS). Also called: IMMUNODEFICIENCY, MICROCEPHALY, AND CHROMOSOMAL INSTABILITY; SEEMANOVA SYNDROME II; Nijmegen breakage syndrome; Microcephaly with normal intelligence immunodeficiency and lymphoreticular malignancies; Nonsyndromal microcephaly autosomal recessive with normal intelligence; Seemanova syndrome 2. Identifiers: Orphanet 647, MedGen C0398791, MONDO:0009623, OMIM 251260.
Acute lymphoid leukemia (ALL). Also called: Acute lymphoblastic leukemia; Acute lymphocytic leukemia; Lymphoblastic leukemia; Leukemia, acute lymphoblastic, somatic. Identifiers: Orphanet 513, MedGen C0023449, MONDO:0004967, OMIM 613065, HP:0006721.
Aplastic anemia. Identifiers: Orphanet 182040, Orphanet 88, MedGen C0002874, MONDO:0015909, OMIM 609135, HP:0001915.
Hereditary cancer-predisposing syndrome. Also called: Tumor predisposition; Hereditary Cancer Syndrome; Hereditary neoplastic syndrome; Neoplastic Syndromes, Hereditary. Identifiers: Orphanet 140162, MedGen C0027672, MeSH D009386, MONDO:0015356.

Allele frequency attached by ClinVar (database versions not stated): gnomAD exomes below 0.00001; gnomAD 0.00002; TOPMed 0.00003.
gnomAD v4.1: 7 of 1,613,636 alleles (0.00043%); highest among the groups gnomAD compares: Non-Finnish European, 0.00059%; no homozygotes.

Submissions (11):

Quest Diagnostics Nichols Institute San Juan Capistrano
Classification: Uncertain significance. Last evaluated: 2025-03-05. Review status: criteria provided, single submitter. Criteria: Quest Diagnostics criteria. Collection method: clinical testing. Allele origin: unknown.
Comment: The NBN c.775G>A (p.Glu259Lys) variant has been reported in the published literature in an individual with pancreatic cancer (PMID: 28726808 (2018)). This variant has also been identified in reportedly healthy individuals (PMID: 30287823 (2018), 33471991 (2021), 36243179 (2022), see also LOVD). The frequency of this variant in the general population (Genome Aggregation Database) is uninformative in the assessment of its pathogenicity. Analysis of this variant using bioinformatics tools for the prediction of the effect of amino acid changes on protein structure and function yielded predictions that this variant is benign. Based on the available information, we are unable to determine the clinical significance of this variant.

Labcorp Genetics (formerly Invitae), Labcorp
Classification: Uncertain significance for Microcephaly, normal intelligence and immunodeficiency. Last evaluated: 2025-02-02. Review status: criteria provided, single submitter. Criteria: Invitae Variant Classification Sherloc (09022015). Collection method: clinical testing. Allele origin: germline.
Comment: This sequence change replaces glutamic acid, which is acidic and polar, with lysine, which is basic and polar, at codon 259 of the NBN protein (p.Glu259Lys). This variant is present in population databases (rs201559159, gnomAD 0.002%). This missense change has been observed in individual(s) with pancreatic cancer (PMID: 28726808). ClinVar contains an entry for this variant (Variation ID: 182716). An algorithm developed to predict the effect of missense changes on protein structure and function outputs the following: PolyPhen-2: "Benign". The lysine amino acid residue is found in multiple mammalian species, which suggests that this missense change does not adversely affect protein function. In summary, the available evidence is currently insufficient to determine the role of this variant in disease. Therefore, it has been classified as a Variant of Uncertain Significance.

GeneDx
Classification: Uncertain significance. Last evaluated: 2024-12-16. Review status: criteria provided, single submitter. Criteria: GeneDx Variant Classification Process June 2021. Collection method: clinical testing. Allele origin: germline. Affected: yes.
Comment: Not observed at significant frequency in large population cohorts (gnomAD); In silico analysis indicates that this missense variant does not alter protein structure/function; Observed in an individual with pancreatic cancer (PMID: 28726808); This variant is associated with the following publications: (PMID: 30287823, 24894818, 36243179, 28726808)

Baylor Genetics
Classification: Uncertain significance for Aplastic anemia. Last evaluated: 2024-03-28. Review status: criteria provided, single submitter. Criteria: ACMG Guidelines, 2015. Collection method: clinical testing. Allele origin: unknown.

Ambry Genetics
Classification: Uncertain significance for Hereditary cancer-predisposing syndrome. Last evaluated: 2023-05-26. Review status: criteria provided, single submitter. Criteria: Ambry Variant Classification Scheme 2023. Collection method: clinical testing. Allele origin: germline.
Comment: The p.E259K variant (also known as c.775G>A), located in coding exon 7 of the NBN gene, results from a G to A substitution at nucleotide position 775. The glutamic acid at codon 259 is replaced by lysine, an amino acid with similar properties. This alteration has been reported with a carrier frequency of 0.000 in 53 unselected male breast cancer patients and 0.0001 in 12,490 male controls of Japanese ancestry (Momozawa Y et al. Nat Commun, 2018 10;9:4083). This variant was also reported in 0/60,466 breast cancer cases and in 3/53,461 controls (Dorling et al. N Engl J Med, 2021 02;384:428-439). This amino acid position is poorly conserved in available vertebrate species. In addition, this alteration is predicted to be tolerated by in silico analysis. Since supporting evidence is limited at this time, the clinical significance of this alteration remains unclear.

Genome-Nilou Lab
Classification: Uncertain significance for Microcephaly, normal intelligence and immunodeficiency. Last evaluated: 2021-11-07. Review status: criteria provided, single submitter. Criteria: ACMG Guidelines, 2015. Collection method: clinical testing. Allele origin: germline. Affected: no.

Sema4
Classification: Uncertain significance for Hereditary cancer-predisposing syndrome. Last evaluated: 2021-10-29. Review status: criteria provided, single submitter. Criteria: Sema4 Curation Guidelines. Collection method: curation. Allele origin: germline.
Comment: The NBN c.775G>A (p.E259K) variant has been reported in at least one individual with pancreatic cancer (PMID: 28726808). This variant was observed in 2/129042 chromosomes in the Non-Finnish European subpopulation in the large and broad cohorts of the Genome Aggregation Database (PMID: 32461654). This variant has been reported in ClinVar (Variation ID: 182716). In silico tools suggest the impact of the variant on protein function is benign, though these predictions have not been confirmed by functional studies. The evidence is insufficient to meet ACMG/AMP criteria for classifying the variant as benign or pathogenic. Thus, the clinical significance of this variant is currently uncertain.

Women's Health and Genetics/Laboratory Corporation of America, LabCorp
Classification: Uncertain significance. Last evaluated: 2018-12-20. Review status: criteria provided, single submitter. Criteria: LabCorp Variant Classification Summary - May 2015. Collection method: clinical testing. Allele origin: germline.
Comment: Variant summary: NBN c.775G>A (p.Glu259Lys) results in a conservative amino acid change located in the second BRCT domain (IPR032429) of the encoded protein sequence. Five of five in-silico tools predict a benign effect of the variant on protein function. The variant allele was found at a frequency of 9.9e-06 in 301984 control chromosomes (gnomAD and publication data). The available data on variant occurrences in the general population are insufficient to allow any conclusion about variant significance. To our knowledge, c.775G>A has not been reported in the literature in individuals affected with Nijmegen Breakage Syndrome, and no experimental evidence demonstrating an impact on protein function has been published. Three clinical diagnostic laboratories have submitted clinical-significance assessments for this variant to ClinVar after 2014 without evidence for independent evaluation. All laboratories classified the variant as uncertain significance. Based on the evidence outlined above, the variant was classified as uncertain significance.

Fulgent Genetics
Classification: Uncertain significance for Microcephaly, normal intelligence and immunodeficiency; Aplastic anemia; Acute lymphoid leukemia. Last evaluated: 2018-10-31. Review status: criteria provided, single submitter. Criteria: ACMG Guidelines, 2015. Collection method: clinical testing. Allele origin: unknown.

PreventionGenetics, part of Exact Sciences
Classification: Uncertain significance for NBN-related condition. Last evaluated: 2023-11-07. Review status: no assertion criteria provided. Collection method: clinical testing. Allele origin: germline. Not counted in ClinVar's aggregate classification.
Comment: The NBN c.775G>A variant is predicted to result in the amino acid substitution p.Glu259Lys. This variant has been documented in a patient with pancreatic cancer (Supplemental Table 2 in Chaffee et al. 2017. PubMed ID: 28726808). This variant is reported in 0.0015% of alleles in individuals of European (Non-Finnish) descent in gnomAD and is interpreted as a variant of uncertain significance in ClinVar. At this time, the clinical significance of this variant is uncertain due to the absence of conclusive functional and genetic evidence.

Natera, Inc.
Classification: Uncertain significance for Nijmegen breakage syndrome. Last evaluated: 2021-07-23. Review status: no assertion criteria provided. Collection method: clinical testing. Allele origin: germline. Not counted in ClinVar's aggregate classification.

Literature cited by the submitters: PubMed 30287823 (cited by 3 submitters); PubMed 33471991 (cited by Quest Diagnostics Nichols Institute San Juan Capistrano and Ambry Genetics); PubMed 36243179 (cited by Quest Diagnostics Nichols Institute San Juan Capistrano); PubMed 28726808 (cited by 3 submitters).